The following is an entry in ClinVar:

NM_001184880.2(PCDH19):c.498C>G (p.Tyr166Ter)

Gene: PCDH19 (protocadherin 19; minus strand). Cytogenetic location: Xq22.1.
Variant type: single nucleotide variant.
Coding change: c.498C>G on transcript NM_001184880.2 (MANE Select); coding-DNA position 498, C replaced by G.
Protein change: p.Tyr166Ter; replaces tyrosine 166 with a stop codon.
Molecular consequence: nonsense.
Genome position (GRCh38, 1-based): chrX:100,408,100, G>C on the plus strand (C>G on the coding strand, the complement: PCDH19 is on the minus strand). VCF-style: chrX-100408100-G-C. GRCh37 (hg19) VCF-style: chrX-99663098-G-C.
Other names: p.Y166*:TAC>TAG; c.498C>G, p.Tyr166Ter (NM_001105243.2, NM_020766.3); short protein forms Y166*.
Identifiers: ClinVar variation 206361 (VCV000206361.15), dbSNP rs796052837, ClinGen allele CA316409.
Genomic context (GRCh38, chrX:100,408,100, plus strand): 5'-GCGGGAGCCGTCGCCGCGCGTCTTGATCTCCAGGCCGAACAGCTCGTTGGGCGTGAGCTC[G>C]TAAGTCTGCACGCCAAAGCTTCCTGAGTCTGGATCGTAAGCGCTGTCCAGCGGGATGCGC-3'

ClinVar aggregate classification (germline): Pathogenic. Review status: criteria provided, multiple submitters, no conflicts (2 of 4 stars). 4 submissions from 4 submitters: Pathogenic (4). Last evaluated 2024-06-22.

Conditions:
PCDH19-related disorder. Also called: PCDH19-related condition.
Developmental and epileptic encephalopathy, 9 (DEE9). Also called: JUBERG-HELLMAN SYNDROME; EPILEPSY, FEMALE-RESTRICTED, WITH MENTAL RETARDATION; Early infantile epileptic encephalopathy 9; PCDH19-Related X-Linked Female-Limited Epilepsy with Mental Retardation. Identifiers: Orphanet 101039, Orphanet 2076, MedGen C1848137, MONDO:0010246, OMIM 300088. Disease mechanism: loss of function.

Submissions (4):

Labcorp Genetics (formerly Invitae), Labcorp
Classification: Pathogenic for Developmental and epileptic encephalopathy, 9. Last evaluated: 2024-06-22. Review status: criteria provided, single submitter. Criteria: Invitae Variant Classification Sherloc (09022015). Collection method: clinical testing. Allele origin: germline.
Comment: This sequence change creates a premature translational stop signal (p.Tyr166*) in the PCDH19 gene. It is expected to result in an absent or disrupted protein product. Loss-of-function variants in PCDH19 are known to be pathogenic (PMID: 21053371). This variant is not present in population databases (gnomAD no frequency). This premature translational stop signal has been observed in individuals with PCDH19-related conditions (PMID: 29377098, 31618753, 32425876). ClinVar contains an entry for this variant (Variation ID: 206361). For these reasons, this variant has been classified as Pathogenic.

GeneDx
Classification: Pathogenic. Last evaluated: 2022-08-16. Review status: criteria provided, single submitter. Criteria: GeneDx Variant Classification Process June 2021. Collection method: clinical testing. Allele origin: germline. Affected: yes.
Comment: Reported previously in a mother and daughter with seizures, developmental delay/learning disability, and/or autism (Smith et al., 2018); Nonsense variant predicted to result in protein truncation or nonsense mediated decay in a gene for which loss of function is a known mechanism of disease; Not observed at significant frequency in large population cohorts (gnomAD); This variant is associated with the following publications: (PMID: 32425876, 31928905, 29377098, 31618753)

Blueprint Genetics
Classification: Pathogenic for PCDH19-related disorders. Last evaluated: 2022-01-26. Review status: criteria provided, single submitter. Criteria: ACMG Guidelines, 2015. Collection method: clinical testing. Allele origin: germline. Affected: yes. Observed: 1 variant allele.

Victorian Clinical Genetics Services, Murdoch Childrens Research Institute
Classification: Pathogenic for Developmental and epileptic encephalopathy, 9. Last evaluated: 2020-10-19. Review status: criteria provided, single submitter. Criteria: ACMG Guidelines, 2015. Collection method: clinical testing. Allele origin: germline. Inheritance: X-linked inheritance. Affected: yes.
Comment: Based on the classification scheme VCGS_Germline_v1.3.3, this variant is classified as Pathogenic. Following criteria are met: 0102 - Loss of function is a known mechanism of disease in this gene and is associated with early infantile epileptic encephalopathy 9 (MIM#300088). (I) 0110 - This gene is associated with X-linked dominant disease. Heterozygous females are most often affected, however mosaic males have also been reported. (I) 0201 - Variant is predicted to cause nonsense-mediated decay (NMD) and loss of protein (premature termination codon is located at least 54 nucleotides upstream of the final exon-exon junction). (SP) 0251 - This variant is heterozygous. (I) 0302 - Variant is absent in gnomAD (both v2 and v3); however, a different nucleotide change resulting in the same protein change is present in gnomAD (v2) <0.001 for a dominant condition (1 heterozygote, 0 homozygotes, 0 hemizygotes). (SP) 0701 - Other variants comparable to the one identified in this case have very strong previous evidence for pathogenicity. More than a hundred other NMD-predicted variants have previously been reported as pathogenic in patients with early infantile epileptic encephalopathy 9 (MIM#300088) (ClinVar). (SP) 0802 - This variant has moderate previous evidence of pathogenicity in unrelated individuals. (SP) 1102 - Strong phenotype match for this individual. (SP) Legend: (SP) - Supporting pathogenic, (I) - Information, (SB) - Supporting benign

Literature cited by the submitters: PubMed 21053371 (cited by Labcorp Genetics (formerly Invitae), Labcorp); PubMed 29377098 (cited by Labcorp Genetics (formerly Invitae), Labcorp and Victorian Clinical Genetics Services, Murdoch Childrens Research Institute); PubMed 31618753 (cited by Labcorp Genetics (formerly Invitae), Labcorp); PubMed 32425876 (cited by Labcorp Genetics (formerly Invitae), Labcorp and Victorian Clinical Genetics Services, Murdoch Childrens Research Institute).